The following is an entry in ClinVar:

ClinVar aggregate classification (germline): Uncertain significance (1 of 4 stars; one submission).

Submission:

GeneDx
Classification: Uncertain significance. Last evaluated: 2022-10-27. Review status: criteria provided, single submitter. Criteria: GeneDx Variant Classification Process June 2021. Collection method: clinical testing. Allele origin: germline. Affected: yes.
Comment: Has not been previously published as pathogenic or benign to our knowledge; Not observed at significant frequency in large population cohorts (gnomAD); In silico analysis supports that this missense variant does not alter protein structure/function

NM_004370.6(COL12A1):c.3779A>C (p.Lys1260Thr)

Gene: COL12A1 (collagen type XII alpha 1 chain; minus strand). Cytogenetic location: 6q13.
Variant type: single nucleotide variant.
Coding change: c.3779A>C on transcript NM_004370.6 (MANE Select); coding-DNA position 3779, A replaced by C.
Protein change: p.Lys1260Thr; replaces lysine 1260 with threonine.
Molecular consequence: missense variant.
Genome position (GRCh38, 1-based): chr6:75,152,187, T>G on the plus strand (A>C on the coding strand, the complement: COL12A1 is on the minus strand). VCF-style: chr6-75152187-T-G. GRCh37 (hg19) VCF-style: chr6-75861903-T-G.
Other names: c.287A>C, p.Lys96Thr (NM_080645.3); short protein forms K1260T, K96T.
Identifiers: ClinVar variation 2500592 (VCV002500592.1), dbSNP rs2533400597, ClinGen allele CA364749341.